The following is an entry in ClinVar:

ClinVar aggregate classification (germline): Uncertain significance (1 of 4 stars; one submission).

Conditions:
Joubert syndrome. Also called: CEREBELLOPARENCHYMAL DISORDER IV; JOUBERT-BOLTSHAUSER SYNDROME; Familial aplasia of the vermis. Identifiers: Orphanet 475, MedGen C5979921, MONDO:0018772.
Meckel-Gruber syndrome. Also called: DYSENCEPHALIA SPLANCHNOCYSTICA; GRUBER SYNDROME; Dysencephalia splachnocystica. Identifiers: Orphanet 564, MedGen C0265215, MONDO:0018921.

Allele frequency attached by ClinVar (database versions not stated): gnomAD exomes below 0.00001 and 0.00001; ExAC 0.00001.
gnomAD v4.1: 3 of 1,614,220 alleles (0.00019%); highest among the groups gnomAD compares: Admixed American, 0.0033%; no homozygotes.

Submission:

Labcorp Genetics (formerly Invitae), Labcorp
Classification: Uncertain significance for Joubert syndrome; Meckel-Gruber syndrome. Last evaluated: 2022-07-12. Review status: criteria provided, single submitter. Criteria: Invitae Variant Classification Sherloc (09022015). Collection method: clinical testing. Allele origin: germline.
Comment: This sequence change affects codon 133 of the MKS1 mRNA. It is a 'silent' change, meaning that it does not change the encoded amino acid sequence of the MKS1 protein. This variant is present in population databases (rs746378310, gnomAD 0.006%). This variant has not been reported in the literature in individuals affected with MKS1-related conditions. ClinVar contains an entry for this variant (Variation ID: 1430414). Algorithms developed to predict the effect of sequence changes on RNA splicing suggest that this variant may create or strengthen a splice site. In summary, the available evidence is currently insufficient to determine the role of this variant in disease. Therefore, it has been classified as a Variant of Uncertain Significance.

NM_017777.4(MKS1):c.399A>G (p.Arg133=)

Gene: MKS1 (MKS transition zone complex subunit 1; minus strand). Cytogenetic location: 17q22.
Variant type: single nucleotide variant.
Coding change: c.399A>G on transcript NM_017777.4 (MANE Select); coding-DNA position 399, A replaced by G.
Protein change: p.Arg133=; no amino-acid change (arginine 133 retained).
Molecular consequence: synonymous variant. On other transcripts: 5 prime UTR variant (1).
Genome position (GRCh38, 1-based): chr17:58,216,106, T>C on the plus strand (A>G on the coding strand, the complement: MKS1 is on the minus strand). VCF-style: chr17-58216106-T-C. GRCh37 (hg19) VCF-style: chr17-56293467-T-C.
Other names: c.-113A>G (NM_001321268.2); c.399A>G, p.Arg133= (NM_001321269.2, NM_001330397.2).
Identifiers: ClinVar variation 1430414 (VCV001430414.5), dbSNP rs746378310, ClinGen allele CA8669550.